The following is an entry in ClinVar:

NM_002017.5(FLI1):c.739G>A (p.Ala247Thr)

Gene: FLI1 (Fli-1 proto-oncogene, ETS transcription factor; plus strand). Cytogenetic location: 11q24.3.
Variant type: single nucleotide variant.
Coding change: c.739G>A on transcript NM_002017.5 (MANE Select); coding-DNA position 739, G replaced by A.
Protein change: p.Ala247Thr; replaces alanine 247 with threonine.
Molecular consequence: missense variant.
Genome position (GRCh38, 1-based): chr11:128,807,197, G>A. VCF-style: chr11-128807197-G-A. GRCh37 (hg19) VCF-style: chr11-128677092-G-A.
Other names: c.640G>A, p.Ala214Thr (NM_001167681.3); c.541G>A, p.Ala181Thr (NM_001271010.2); c.160G>A, p.Ala54Thr (NM_001271012.2); c.739G>A (NM_002017.3); short protein forms A214T, A54T, A181T, A247T.
Identifiers: ClinVar variation 2895733 (VCV002895733.4), dbSNP rs370779379, ClinGen allele CA6357223.

ClinVar aggregate classification (germline): Uncertain significance. Review status: criteria provided, multiple submitters, no conflicts (2 of 4 stars). 2 submissions from 2 submitters: Uncertain significance (2). Last evaluated 2025-10-22.

Conditions:
Inborn genetic diseases. Identifiers: MedGen C0950123, MeSH D030342.

Allele frequency attached by ClinVar (database versions not stated): gnomAD 0.00001; ESP Exome Variant Server 0.00008.
gnomAD v4.1: 5 of 1,598,336 alleles (0.00031%); highest among the groups gnomAD compares: African/African-American, 0.0067%; no homozygotes.

Submissions (2):

Ambry Genetics
Classification: Uncertain significance for Inborn genetic diseases. Last evaluated: 2025-10-22. Review status: criteria provided, single submitter. Criteria: Ambry Variant Classification Scheme 2023. Collection method: clinical testing. Allele origin: germline.

Labcorp Genetics (formerly Invitae), Labcorp
Classification: Uncertain significance. Last evaluated: 2023-04-07. Review status: criteria provided, single submitter. Criteria: Invitae Variant Classification Sherloc (09022015). Collection method: clinical testing. Allele origin: germline.
Comment: This variant is not present in population databases (gnomAD no frequency). This sequence change replaces alanine, which is neutral and non-polar, with threonine, which is neutral and polar, at codon 247 of the FLI1 protein (p.Ala247Thr). This variant has not been reported in the literature in individuals affected with FLI1-related conditions. In summary, the available evidence is currently insufficient to determine the role of this variant in disease. Therefore, it has been classified as a Variant of Uncertain Significance. Advanced modeling of protein sequence and biophysical properties (such as structural, functional, and spatial information, amino acid conservation, physicochemical variation, residue mobility, and thermodynamic stability) performed at Invitae indicates that this missense variant is not expected to disrupt FLI1 protein function.